The following is an entry in ClinVar:

ClinVar aggregate classification (germline): Uncertain significance. Review status: criteria provided, multiple submitters, no conflicts (2 of 4 stars). 2 submissions from 2 submitters: Uncertain significance (2). Last evaluated 2025-03-17.

Conditions:
Benign neonatal seizures. Also called: Benign familial neonatal seizures; Benign neonatal familial convulsions; Benign familial neonatal epilepsy; Convulsions benign familial neonatal dominant form; Autosomal dominant form of benign neonatal seizures. Identifiers: Orphanet 1949, MedGen C0220669, MONDO:0016027.

Submissions (2):

Labcorp Genetics (formerly Invitae), Labcorp
Classification: Uncertain significance for Benign neonatal seizures. Last evaluated: 2025-03-17. Review status: criteria provided, single submitter. Criteria: Invitae Variant Classification Sherloc (09022015). Collection method: clinical testing. Allele origin: germline.
Comment: This sequence change replaces glycine with valine at codon 691 of the KCNQ3 protein (p.Gly691Val). The glycine residue is moderately conserved and there is a moderate physicochemical difference between glycine and valine. This variant is present in population databases (no rsID available, gnomAD 0.001%). This variant has not been reported in the literature in individuals affected with KCNQ3-related conditions. ClinVar contains an entry for this variant (Variation ID: 1436048). An algorithm developed to predict the effect of missense changes on protein structure and function (PolyPhen-2) suggests that this variant is likely to be tolerated. In summary, the available evidence is currently insufficient to determine the role of this variant in disease. Therefore, it has been classified as a Variant of Uncertain Significance.

GeneDx
Classification: Uncertain significance. Last evaluated: 2025-01-02. Review status: criteria provided, single submitter. Criteria: GeneDx Variant Classification Process June 2021. Collection method: clinical testing. Allele origin: germline. Affected: yes.
Comment: Not observed at significant frequency in large population cohorts (gnomAD); In silico analysis supports a deleterious effect on protein structure/function; Has not been previously published as pathogenic or benign to our knowledge

NM_004519.4(KCNQ3):c.2072_2073delinsTA (p.Gly691Val)

Gene: KCNQ3 (potassium voltage-gated channel subfamily Q member 3; minus strand). Cytogenetic location: 8q24.22.
Variant type: Indel.
Coding change: c.2072_2073delinsTA on transcript NM_004519.4 (MANE Select); coding-DNA positions 2072 to 2073, GC replaced by TA.
Protein change: p.Gly691Val; replaces glycine 691 with valine.
Molecular consequence: missense variant.
Genome position (GRCh38, 1-based): chr8:132,129,808-132,129,809, GC replaced by TA on the plus strand (GC replaced by TA on the coding strand, the reverse complement: KCNQ3 is on the minus strand). VCF-style: chr8-132129808-GC-TA. GRCh37 (hg19) VCF-style: chr8-133142055-GC-TA.
Other names: c.1712_1713delinsTA, p.Gly571Val (NM_001204824.2); c.2072_2073delinsTA (NM_004519.3); short protein forms G691V, G571V.
Identifiers: ClinVar variation 1436048 (VCV001436048.7), dbSNP rs2130923885, ClinGen allele CA2573142862.